The following is an entry in ClinVar:

ClinVar aggregate classification (germline): Uncertain significance (1 of 4 stars; one submission).

Submission:

Labcorp Genetics (formerly Invitae), Labcorp
Classification: Uncertain significance. Last evaluated: 2020-10-02. Review status: criteria provided, single submitter. Criteria: Invitae Variant Classification Sherloc (09022015). Collection method: clinical testing. Allele origin: germline.
Comment: In summary, the available evidence is currently insufficient to determine the role of this variant in disease. Therefore, it has been classified as a Variant of Uncertain Significance. Experimental studies and prediction algorithms are not available or were not evaluated, and the functional significance of this variant is currently unknown. This variant has not been reported in the literature in individuals with GPR179-related conditions. This variant is not present in population databases (ExAC no frequency). This variant, c.2256_2258del, results in the deletion of 1 amino acid(s) of the GPR179 protein (p.Arg753del), but otherwise preserves the integrity of the reading frame.

NM_001004334.4(GPR179):c.2250CCG[2] (p.Arg753del)

Gene: GPR179 (G protein-coupled receptor 179; minus strand). Cytogenetic location: 17q12.
Variant type: Microsatellite.
Coding change: c.2250CCG[2] on transcript NM_001004334.4 (MANE Select); two copies in a row of the 3-base unit CCG starting at c.2250; the reference has three copies in a row; one copy, 3 bases deleted.
Protein change: p.Arg753del; deletes arginine 753.
Molecular consequence: inframe deletion.
Genome position (GRCh38, 1-based): chr17:38,331,311-38,331,313, CGG deleted on the plus strand (CCG on the coding strand, the reverse complement: GPR179 is on the minus strand); deleting any 3 consecutive bases within chr17:38,331,311-38,331,319 gives the same sequence; the position shown is the placement nearest the transcript's 3' end. VCF-style (leftmost placement, unchanged base first): chr17-38331310-CCGG-C. GRCh37 (hg19) VCF-style: chr17-36487193-CCGG-C.
Other names: short protein forms R753del.
Identifiers: ClinVar variation 1022601 (VCV001022601.8), dbSNP rs1196376977, ClinGen allele CA771711893.